The following is an entry in ClinVar:

ClinVar aggregate classification (germline): Uncertain significance (1 of 4 stars; one submission).

gnomAD v4.1: 8 of 1,614,202 alleles (0.0005%); highest among the groups gnomAD compares: Non-Finnish European, 0.00051%; no homozygotes.

Submission:

Ambry Genetics
Classification: Uncertain significance. Last evaluated: 2024-11-16. Review status: criteria provided, single submitter. Criteria: Ambry Variant Classification Scheme 2023. Collection method: clinical testing. Allele origin: germline.
Comment: The p.Y222H variant (also known as c.664T>C), located in coding exon 6 of the NQO1 gene, results from a T to C substitution at nucleotide position 664. The tyrosine at codon 222 is replaced by histidine, an amino acid with similar properties. This amino acid position is conserved. In addition, this alteration is predicted to be tolerated by in silico analysis. Based on the available evidence, the clinical significance of this variant remains unclear.

NM_000903.3(NQO1):c.664T>C (p.Tyr222His)

Gene: NQO1 (NAD(P)H quinone dehydrogenase 1; minus strand). Cytogenetic location: 16q22.1.
Variant type: single nucleotide variant.
Coding change: c.664T>C on transcript NM_000903.3 (MANE Select); coding-DNA position 664, T replaced by C.
Protein change: p.Tyr222His; replaces tyrosine 222 with histidine.
Molecular consequence: missense variant.
Genome position (GRCh38, 1-based): chr16:69,711,137, A>G on the plus strand (T>C on the coding strand, the complement: NQO1 is on the minus strand). VCF-style: chr16-69711137-A-G. GRCh37 (hg19) VCF-style: chr16-69745040-A-G.
Other names: c.562T>C, p.Tyr188His (NM_001025433.2); c.550T>C, p.Tyr184His (NM_001025434.2); c.448T>C, p.Tyr150His (NM_001286137.2); short protein forms Y184H, Y150H, Y188H, Y222H.
Identifiers: ClinVar variation 3407572 (VCV003407572.1).